The following is an entry in ClinVar:

NM_017514.5(PLXNA3):c.170C>T (p.Ala57Val)

Gene: PLXNA3 (plexin A3; plus strand). Cytogenetic location: Xq28.
Variant type: single nucleotide variant.
Coding change: c.170C>T on transcript NM_017514.5 (MANE Select); coding-DNA position 170, C replaced by T.
Protein change: p.Ala57Val; replaces alanine 57 with valine.
Molecular consequence: missense variant.
Genome position (GRCh38, 1-based): chrX:154,460,353, C>T. VCF-style: chrX-154460353-C-T. GRCh37 (hg19) VCF-style: chrX-153688693-C-T.
Other names: short protein forms A57V.
Identifiers: ClinVar variation 3355447 (VCV003355447.1).

ClinVar aggregate classification (germline): Uncertain significance (0 of 4 stars; one submission).

Conditions:
PLXNA3-related disorder. Also called: PLXNA3-related condition.

Submission:

PreventionGenetics, part of Exact Sciences
Classification: Uncertain significance for PLXNA3-related condition. Last evaluated: 2023-11-27. Review status: no assertion criteria provided. Collection method: clinical testing. Allele origin: germline.
Comment: The PLXNA3 c.170C>T variant is predicted to result in the amino acid substitution p.Ala57Val. To our knowledge, this variant has not been reported in the literature or in a large population database, indicating this variant is rare. At this time, the clinical significance of this variant is uncertain due to the absence of conclusive functional and genetic evidence.